The following is an entry in ClinVar:

NM_014747.3(RIMS3):c.700G>A (p.Gly234Ser)

Genes: RIMS3 (regulating synaptic membrane exocytosis 3; minus strand), LOC126805714 (CDK7 strongly-dependent group 2 enhancer GRCh37_chr1:41093974-41095173; plus strand). Cytogenetic location: 1p34.2.
Variant type: single nucleotide variant.
Coding change: c.700G>A on transcript NM_014747.3 (MANE Select); coding-DNA position 700, G replaced by A.
Protein change: p.Gly234Ser; replaces glycine 234 with serine.
Molecular consequence: missense variant.
Genome position (GRCh38, 1-based): chr1:40,628,824, C>T on the plus strand (G>A on the coding strand, the complement: RIMS3 is on the minus strand). VCF-style: chr1-40628824-C-T. GRCh37 (hg19) VCF-style: chr1-41094496-C-T.
Other names: short protein forms G234S.
Identifiers: ClinVar variation 3042239 (VCV003042239.2), dbSNP rs150447957, ClinGen allele CA793749.

ClinVar aggregate classification (germline): Likely benign (0 of 4 stars; one submission).

Conditions:
RIMS3-related disorder. Also called: RIMS3-related condition.

Allele frequency attached by ClinVar (database versions not stated): ExAC 0.00105; TOPMed 0.00148; gnomAD 0.00153; gnomAD exomes 0.00204; ESP Exome Variant Server 0.00208.
gnomAD v4.1: 3,192 of 1,614,152 alleles (0.2%); highest among the groups gnomAD compares: Non-Finnish European, 0.24%; 6 homozygotes.

Submission:

PreventionGenetics, part of Exact Sciences
Classification: Likely benign for RIMS3-related condition. Last evaluated: 2022-05-10. Review status: no assertion criteria provided. Collection method: clinical testing. Allele origin: germline.
Comment: This variant is classified as likely benign based on ACMG/AMP sequence variant interpretation guidelines (Richards et al. 2015 PMID: 25741868, with internal and published modifications).